The following is an entry in ClinVar:

NM_198576.4(AGRN):c.914_947del (p.Arg305fs)

Gene: AGRN (agrin; plus strand). Cytogenetic location: 1p36.33.
Variant type: Deletion.
Coding change: c.914_947del on transcript NM_198576.4 (MANE Select); coding-DNA positions 914 to 947, 34 bases deleted.
Protein change: p.Arg305fs; shifts the reading frame from arginine 305.
Molecular consequence: frameshift variant.
Genome position (GRCh38, 1-based): chr1:1,041,359-1,041,392, 34 bases deleted; deleting any 34 consecutive bases within chr1:1,041,355-1,041,392 gives the same sequence; the c. name uses the placement nearest the transcript's 3' end. GRCh37 (hg19): chr1:976,739-976,772.
Other names: c.914_947del, p.Arg305fs (NM_001305275.2); c.599_632del, p.Arg200fs (NM_001364727.2); short protein forms R305fs, R200fs.
Identifiers: ClinVar variation 574478 (VCV000574478.6), dbSNP rs1557700705, ClinGen allele CA891842423.

ClinVar aggregate classification (germline): Pathogenic (1 of 4 stars; one submission).

Conditions:
Congenital myasthenic syndrome 8. Also called: Myasthenic syndrome, congenital, 8, with pre- and postsynaptic defects; MYASTHENIC SYNDROME, CONGENITAL, DUE TO AGRIN DEFICIENCY. Identifiers: Orphanet 590, MedGen C3808739, MONDO:0014052, OMIM 615120.

Submission:

Labcorp Genetics (formerly Invitae), Labcorp
Classification: Pathogenic for Congenital myasthenic syndrome 8. Last evaluated: 2018-02-08. Review status: criteria provided, single submitter. Criteria: Invitae Variant Classification Sherloc (09022015). Collection method: clinical testing. Allele origin: germline.
Comment: For these reasons, this variant has been classified as Pathogenic. Loss-of-function variants in AGRN are known to be pathogenic (PMID: 24951643). This variant has not been reported in the literature in individuals with AGRN-related disease. While this variant is not present in population databases, the frequency information is unreliable, as metrics indicate poor data quality at this position in the ExAC database. This sequence change creates a premature translational stop signal (p.Arg305Leufs*18) in the AGRN gene. It is expected to result in an absent or disrupted protein product.

Literature cited by the submitters: PubMed 24951643.